The following is an entry in ClinVar:

NM_005559.4(LAMA1):c.2481G>A (p.Trp827Ter)

Gene: LAMA1 (laminin subunit alpha 1; minus strand). Cytogenetic location: 18p11.31.
Variant type: single nucleotide variant.
Coding change: c.2481G>A on transcript NM_005559.4 (MANE Select); coding-DNA position 2481, G replaced by A.
Protein change: p.Trp827Ter; replaces tryptophan 827 with a stop codon.
Molecular consequence: nonsense.
Genome position (GRCh38, 1-based): chr18:7,024,388, C>T on the plus strand (G>A on the coding strand, the complement: LAMA1 is on the minus strand). VCF-style: chr18-7024388-C-T. GRCh37 (hg19) VCF-style: chr18-7024387-C-T.
Other names: short protein forms W827*.
Identifiers: ClinVar variation 1947866 (VCV001947866.5), dbSNP rs922278637, ClinGen allele CA295786643.

ClinVar aggregate classification (germline): Pathogenic (1 of 4 stars; one submission).

gnomAD v4.1: 1 of 1,613,954 alleles (0.000062%); no homozygotes.

Submission:

Labcorp Genetics (formerly Invitae), Labcorp
Classification: Pathogenic. Last evaluated: 2022-04-18. Review status: criteria provided, single submitter. Criteria: Invitae Variant Classification Sherloc (09022015). Collection method: clinical testing. Allele origin: germline.
Comment: For these reasons, this variant has been classified as Pathogenic. This variant has not been reported in the literature in individuals affected with LAMA1-related conditions. This variant is not present in population databases (gnomAD no frequency). This sequence change creates a premature translational stop signal (p.Trp827*) in the LAMA1 gene. It is expected to result in an absent or disrupted protein product. Loss-of-function variants in LAMA1 are known to be pathogenic (PMID: 25105227, 26932191).

Literature cited by the submitters: PubMed 25105227; PubMed 26932191.